The following is an entry in ClinVar:

NM_031157.4(HNRNPA1):c.1054C>T (p.Arg352Ter)

Gene: HNRNPA1 (heterogeneous nuclear ribonucleoprotein A1; plus strand). Cytogenetic location: 12q13.13.
Variant type: single nucleotide variant.
Coding change: c.1054C>T on transcript NM_031157.4 (MANE Select); coding-DNA position 1054, C replaced by T.
Protein change: p.Arg352Ter; replaces arginine 352 with a stop codon.
Molecular consequence: nonsense. On other transcripts: non-coding transcript variant (1).
Genome position (GRCh38, 1-based): chr12:54,283,958, C>T. VCF-style: chr12-54283958-C-T. GRCh37 (hg19) VCF-style: chr12-54677742-C-T.
Other names: c.898C>T, p.Arg300Ter (NM_002136.4); short protein forms R352*, R300*.
Identifiers: ClinVar variation 135606 (VCV000135606.4), dbSNP rs483353037, ClinGen allele CA163077.

ClinVar aggregate classification (germline): Uncertain significance. Review status: criteria provided, single submitter (1 of 4 stars). 2 submissions from 2 submitters: Uncertain significance (1). 1 of the submissions does not count toward it. Last evaluated 2018-09-30.

Conditions:
Chronic progressive multiple sclerosis. Identifiers: MedGen C0393665, MONDO:0005284.

Submissions (2):

CeGaT Center for Human Genetics Tuebingen
Classification: Uncertain significance. Last evaluated: 2018-09-30. Review status: criteria provided, single submitter. Criteria: Praxis fuer Humangenetik Tuebingen - Variant Classification Criteria. Collection method: clinical testing. Allele origin: germline. Affected: yes. Observed: 1 variant allele.

Demyelinating Disease Laboratories, VA Medical Center and University of Tennessee
Classification: Likely pathogenic. Review status: no assertion criteria provided. Collection method: not provided. Allele origin: somatic. Not counted in ClinVar's aggregate classification.
ClinVar note: Converted during submission from probable-pathogenic to Likely pathogenic.